The following is an entry in ClinVar:

NM_004380.3(CREBBP):c.7267G>A (p.Glu2423Lys)

Gene: CREBBP (CREB binding lysine acetyltransferase; minus strand). Cytogenetic location: 16p13.3.
Variant type: single nucleotide variant.
Coding change: c.7267G>A on transcript NM_004380.3 (MANE Select); coding-DNA position 7267, G replaced by A.
Protein change: p.Glu2423Lys; replaces glutamic acid 2423 with lysine.
Molecular consequence: missense variant.
Genome position (GRCh38, 1-based): chr16:3,727,780, C>T on the plus strand (G>A on the coding strand, the complement: CREBBP is on the minus strand). VCF-style: chr16-3727780-C-T. GRCh37 (hg19) VCF-style: chr16-3777781-C-T.
Other names: c.7153G>A, p.Glu2385Lys (NM_001079846.1); short protein forms E2385K, E2423K.
Identifiers: ClinVar variation 4999804 (VCV004999804.1).

ClinVar aggregate classification (germline): Uncertain significance (1 of 4 stars; one submission).

Conditions:
CREBBP-related disorder. Also called: CREBBP-related condition; CREBBP-related disorders.

gnomAD v4.1: 7 of 1,614,168 alleles (0.00043%); highest among the groups gnomAD compares: East Asian, 0.0022%; no homozygotes.

Submission:

PreventionGenetics, part of Exact Sciences
Classification: Uncertain significance for CREBBP-related condition. Last evaluated: 2024-12-02. Review status: criteria provided, single submitter. Criteria: ACMG Guidelines, 2015. Collection method: clinical testing. Allele origin: germline.
Comment: The CREBBP c.7267G>A variant is predicted to result in the amino acid substitution p.Glu2423Lys. To our knowledge, this variant has not been reported in the literature. This variant is reported in 0.0018% of alleles in individuals of European (Non-Finnish) descent in gnomAD. At this time, the clinical significance of this variant is uncertain due to the absence of conclusive functional and genetic evidence.